The following is an entry in ClinVar:

ClinVar aggregate classification (germline): Uncertain significance (1 of 4 stars; one submission).

Conditions:
Cyclical neutropenia. Also called: Cyclic hematopoiesis; Cyclic Neutropenia. Identifiers: Orphanet 2686, MedGen C0221023, MONDO:0008090, OMIM 162800, HP:0040289. Disease mechanism: loss of function.
Neutropenia, severe congenital, 1, autosomal dominant. Identifiers: MedGen C1859966, MONDO:0042490, OMIM 202700.

Allele frequency attached by ClinVar (database versions not stated): TOPMed 0.00002.

Submission:

Labcorp Genetics (formerly Invitae), Labcorp
Classification: Uncertain significance for Neutropenia, severe congenital, 1, autosomal dominant; Cyclical neutropenia. Last evaluated: 2024-06-22. Review status: criteria provided, single submitter. Criteria: Invitae Variant Classification Sherloc (09022015). Collection method: clinical testing. Allele origin: germline.
Comment: This sequence change replaces valine, which is neutral and non-polar, with leucine, which is neutral and non-polar, at codon 98 of the ELANE protein (p.Val98Leu). This variant is present in population databases (rs267606781, gnomAD 0.01%). This variant has not been reported in the literature in individuals affected with ELANE-related conditions. Advanced modeling of protein sequence and biophysical properties (such as structural, functional, and spatial information, amino acid conservation, physicochemical variation, residue mobility, and thermodynamic stability) performed at Invitae indicates that this missense variant is not expected to disrupt ELANE protein function with a negative predictive value of 80%. In summary, the available evidence is currently insufficient to determine the role of this variant in disease. Therefore, it has been classified as a Variant of Uncertain Significance.

NM_001972.4(ELANE):c.292G>T (p.Val98Leu)

Gene: ELANE (elastase, neutrophil expressed; plus strand). Cytogenetic location: 19p13.3.
Variant type: single nucleotide variant.
Coding change: c.292G>T on transcript NM_001972.4 (MANE Select); coding-DNA position 292, G replaced by T.
Protein change: p.Val98Leu; replaces valine 98 with leucine.
Molecular consequence: missense variant.
Genome position (GRCh38, 1-based): chr19:853,329, G>T. VCF-style: chr19-853329-G-T. GRCh37 (hg19) VCF-style: chr19-853329-G-T.
Other names: V69L; c.292G>T, p.Val98Leu (LRG_57t1); short protein forms V98L.
Identifiers: ClinVar variation 242775 (VCV000242775.3), dbSNP rs267606781.